The following is an entry in ClinVar:

NM_001395414.1(MUC22):c.4206C>T (p.Val1402=)

Gene: MUC22 (mucin 22; plus strand). Cytogenetic location: 6p21.33.
Variant type: single nucleotide variant.
Coding change: c.4206C>T on transcript NM_001395414.1 (MANE Select); coding-DNA position 4206, C replaced by T.
Protein change: p.Val1402=; no amino-acid change (valine 1402 retained).
Molecular consequence: synonymous variant.
Genome position (GRCh38, 1-based): chr6:31,029,637, C>T. VCF-style: chr6-31029637-C-T. GRCh37 (hg19) VCF-style: chr6-30997414-C-T.
Other names: c.4206C>T, p.Val1402= (NM_001198815.1); c.4215C>T, p.Val1405= (NM_001318484.1).
Identifiers: ClinVar variation 4874057 (VCV004874057.2).

ClinVar aggregate classification (germline): Likely benign (1 of 4 stars; one submission).

Submission:

CeGaT Center for Human Genetics Tuebingen
Classification: Likely benign. Last evaluated: 2026-04-01. Review status: criteria provided, single submitter. Criteria: CeGaT Center For Human Genetics Tuebingen Variant Classification Criteria Version 2. Collection method: clinical testing. Allele origin: germline. Affected: yes. Observed: 1 variant allele.
Comment: MUC22: PM2:Supporting, BP4, BP7